The following is an entry in ClinVar:

ClinVar aggregate classification (germline): Uncertain significance. Review status: criteria provided, multiple submitters, no conflicts (2 of 4 stars). 3 submissions from 3 submitters: Uncertain significance (3). Last evaluated 2025-12-21.

Conditions:
POLD1-related polyposis and colorectal cancer syndrome (CRCS10). Also called: Colorectal cancer, susceptibility to, 10; Colorectal cancer 10; COLORECTAL CANCER, SUSCEPTIBILITY TO, ON CHROMOSOME 19q. Identifiers: Orphanet 220460, MedGen C2675481, MONDO:0012953, OMIM 612591.
Hereditary cancer-predisposing syndrome. Also called: Neoplastic Syndromes, Hereditary; Hereditary neoplastic syndrome; Hereditary Cancer Syndrome; Tumor predisposition. Identifiers: Orphanet 140162, MedGen C0027672, MeSH D009386, MONDO:0015356.

Allele frequency attached by ClinVar (database versions not stated): gnomAD 0.00001; TOPMed 0.00001.

Submissions (3):

Labcorp Genetics (formerly Invitae), Labcorp
Classification: Uncertain significance for POLD1-related polyposis and colorectal cancer syndrome. Last evaluated: 2025-12-21. Review status: criteria provided, single submitter. Criteria: Invitae Variant Classification Sherloc (09022015). Collection method: clinical testing. Allele origin: germline.
Comment: This sequence change replaces valine, which is neutral and non-polar, with methionine, which is neutral and non-polar, at codon 187 of the POLD1 protein (p.Val187Met). This variant is present in population databases (rs775620863, gnomAD 0.003%). This missense change has been observed in individual(s) with breast cancer (PMID: 35534704). ClinVar contains an entry for this variant (Variation ID: 408009). Invitae Evidence Modeling of protein sequence and biophysical properties (such as structural, functional, and spatial information, amino acid conservation, physicochemical variation, residue mobility, and thermodynamic stability) indicates that this missense variant is expected to disrupt POLD1 protein function with a positive predictive value of 80%. In summary, the available evidence is currently insufficient to determine the role of this variant in disease. Therefore, it has been classified as a Variant of Uncertain Significance.

Ambry Genetics
Classification: Uncertain significance for Hereditary cancer-predisposing syndrome. Last evaluated: 2025-01-17. Review status: criteria provided, single submitter. Criteria: Ambry Variant Classification Scheme 2023. Collection method: clinical testing. Allele origin: germline.
Comment: The p.V187M variant (also known as c.559G>A), located in coding exon 4 of the POLD1 gene, results from a G to A substitution at nucleotide position 559. The valine at codon 187 is replaced by methionine, an amino acid with highly similar properties. This amino acid position is well conserved in available vertebrate species. In addition, this alteration is predicted to be tolerated by in silico analysis. Based on the available evidence, the clinical significance of this variant remains unclear.

GeneDx
Classification: Uncertain significance. Last evaluated: 2023-02-27. Review status: criteria provided, single submitter. Criteria: GeneDx Variant Classification Process June 2021. Collection method: clinical testing. Allele origin: germline. Affected: yes.
Comment: Not observed at significant frequency in large population cohorts (gnomAD); In silico analysis supports that this missense variant has a deleterious effect on protein structure/function; Has not been previously published as germline pathogenic or benign variant to our knowledge; This variant is associated with the following publications: (PMID: 29056344)

Literature cited by the submitters: PubMed 35534704 (cited by Labcorp Genetics (formerly Invitae), Labcorp).

NM_002691.4(POLD1):c.559G>A (p.Val187Met)

Gene: POLD1 (DNA polymerase delta 1, catalytic subunit; plus strand). Cytogenetic location: 19q13.33.
Variant type: single nucleotide variant.
Coding change: c.559G>A on transcript NM_002691.4 (MANE Select); coding-DNA position 559, G replaced by A.
Protein change: p.Val187Met; replaces valine 187 with methionine.
Molecular consequence: missense variant. On other transcripts: non-coding transcript variant (1).
Genome position (GRCh38, 1-based): chr19:50,402,094, G>A. VCF-style: chr19-50402094-G-A. GRCh37 (hg19) VCF-style: chr19-50905351-G-A.
Other names: c.559G>A, p.Val187Met (NM_001256849.1, NM_001308632.1); c.559G>A (NM_002691.2); short protein forms V187M.
Identifiers: ClinVar variation 408009 (VCV000408009.12), dbSNP rs775620863, ClinGen allele CA9595794.